The following is an entry in ClinVar:

ClinVar aggregate classification (germline): Pathogenic. Review status: reviewed by expert panel (3 of 4 stars). 3 submissions from 3 submitters: Pathogenic (1). 2 of the submissions do not count toward it. Last evaluated 2016-10-18.

Conditions:
Breast-ovarian cancer, familial, susceptibility to, 2 (BROVCA2). Also called: BRCA2 Hereditary Breast and Ovarian Cancer. Identifiers: Orphanet 145, MedGen C2675520, MONDO:0012933, OMIM 612555. Disease mechanism: loss of function.
Hereditary cancer-predisposing syndrome. Also called: Neoplastic Syndromes, Hereditary; Tumor predisposition; Hereditary Cancer Syndrome; Hereditary neoplastic syndrome. Identifiers: Orphanet 140162, MedGen C0027672, MeSH D009386, MONDO:0015356.

Submissions (3):

Evidence-based Network for the Interpretation of Germline Mutant Alleles (ENIGMA)
Classification: Pathogenic for Breast-ovarian cancer, familial, susceptibility to, 2. Last evaluated: 2016-10-18. Review status: reviewed by expert panel. Criteria: ENIGMA BRCA1/2 Classification Criteria (2015). Collection method: curation. Allele origin: germline.
Comment: Variant allele predicted to encode a truncated non-functional protein.

Ambry Genetics
Classification: Pathogenic for Hereditary cancer-predisposing syndrome. Last evaluated: 2025-10-10. Review status: criteria provided, single submitter. Criteria: Ambry Variant Classification Scheme 2023. Collection method: clinical testing. Allele origin: germline. Not counted in ClinVar's aggregate classification.
Comment: The p.L971* pathogenic mutation (also known as c.2912T>G), located in coding exon 10 of the BRCA2 gene, results from a T to G substitution at nucleotide position 2912. This changes the amino acid from a leucine to a stop codon within coding exon 10. This variant is considered to be rare based on population cohorts in the Genome Aggregation Database (gnomAD). This alteration is expected to result in loss of function by premature protein truncation or nonsense-mediated mRNA decay. As such, this alteration is interpreted as a disease-causing mutation.

Consortium of Investigators of Modifiers of BRCA1/2 (CIMBA), c/o University of Cambridge
Classification: Pathogenic for Breast-ovarian cancer, familial, susceptibility to, 2. Last evaluated: 2015-10-02. Review status: criteria provided, single submitter. Criteria: CIMBA Mutation Classification guidelines May 2016. Collection method: clinical testing. Allele origin: germline. Not counted in ClinVar's aggregate classification.

NM_000059.4(BRCA2):c.2912T>G (p.Leu971Ter)

Gene: BRCA2 (BRCA2 DNA repair associated; plus strand). Cytogenetic location: 13q13.1.
Variant type: single nucleotide variant.
Coding change: c.2912T>G on transcript NM_000059.4 (MANE Select); coding-DNA position 2912, T replaced by G.
Protein change: p.Leu971Ter; replaces leucine 971 with a stop codon.
Molecular consequence: nonsense.
Genome position (GRCh38, 1-based): chr13:32,337,267, T>G. VCF-style: chr13-32337267-T-G. GRCh37 (hg19) VCF-style: chr13-32911404-T-G.
Other names: 3140T>G; short protein forms L971*.
Identifiers: ClinVar variation 51369 (VCV000051369.8), dbSNP rs397507647, ClinGen allele CA016757.